The following is an entry in ClinVar:

NM_007055.4(POLR3A):c.145G>A (p.Ala49Thr)

Gene: POLR3A (RNA polymerase III subunit A; minus strand). Cytogenetic location: 10q22.3.
Variant type: single nucleotide variant.
Coding change: c.145G>A on transcript NM_007055.4 (MANE Select); coding-DNA position 145, G replaced by A.
Protein change: p.Ala49Thr; replaces alanine 49 with threonine.
Molecular consequence: missense variant.
Genome position (GRCh38, 1-based): chr10:78,026,129, C>T on the plus strand (G>A on the coding strand, the complement: POLR3A is on the minus strand). VCF-style: chr10-78026129-C-T. GRCh37 (hg19) VCF-style: chr10-79785887-C-T.
Other names: short protein forms A49T.
Identifiers: ClinVar variation 1476814 (VCV001476814.6), dbSNP rs2131961943, ClinGen allele CA377347506.

ClinVar aggregate classification (germline): Uncertain significance (1 of 4 stars; one submission).

gnomAD v4.1: 1 of 1,614,196 alleles (0.000062%); no homozygotes.

Submission:

Labcorp Genetics (formerly Invitae), Labcorp
Classification: Uncertain significance. Last evaluated: 2024-08-13. Review status: criteria provided, single submitter. Criteria: Invitae Variant Classification Sherloc (09022015). Collection method: clinical testing. Allele origin: germline.
Comment: This sequence change replaces alanine, which is neutral and non-polar, with threonine, which is neutral and polar, at codon 49 of the POLR3A protein (p.Ala49Thr). This variant is not present in population databases (gnomAD no frequency). This variant has not been reported in the literature in individuals affected with POLR3A-related conditions. ClinVar contains an entry for this variant (Variation ID: 1476814). Advanced modeling of protein sequence and biophysical properties (such as structural, functional, and spatial information, amino acid conservation, physicochemical variation, residue mobility, and thermodynamic stability) performed at Invitae indicates that this missense variant is not expected to disrupt POLR3A protein function with a negative predictive value of 80%. In summary, the available evidence is currently insufficient to determine the role of this variant in disease. Therefore, it has been classified as a Variant of Uncertain Significance.